The following is an entry in ClinVar:

NM_001365536.1(SCN9A):c.965+4T>C

Genes: SCN9A (sodium voltage-gated channel alpha subunit 9; minus strand), SCN1A-AS1 (SCN1A and SCN9A antisense RNA 1; plus strand). Cytogenetic location: 2q24.3.
Variant type: single nucleotide variant.
Coding change: c.965+4T>C on transcript NM_001365536.1 (MANE Select); 4 bases into the intron after coding-DNA position 965, T replaced by C.
Molecular consequence: intron variant. On other transcripts: non-coding transcript variant (1).
Genome position (GRCh38, 1-based): chr2:166,294,595, A>G on the plus strand (T>C on the coding strand, the complement: SCN9A is on the minus strand). VCF-style: chr2-166294595-A-G. GRCh37 (hg19) VCF-style: chr2-167151105-A-G.
Other names: c.965+4T>C (NM_002977.4).
Identifiers: ClinVar variation 3762401 (VCV003762401.2).

ClinVar aggregate classification (germline): Uncertain significance (1 of 4 stars; one submission).

Conditions:
Neuropathy, hereditary sensory and autonomic, type 2A (HSAN2A). Also called: HSAN IIA; ACROOSTEOLYSIS, GIACCAI TYPE; ACROOSTEOLYSIS, NEUROGENIC; MORVAN DISEASE; NEUROPATHY, CONGENITAL SENSORY; NEUROPATHY, HEREDITARY SENSORY RADICULAR, AUTOSOMAL RECESSIVE. Identifiers: Orphanet 970, MedGen C2752089, MONDO:0024309, OMIM 201300.
Generalized epilepsy with febrile seizures plus, type 7 (GEFSP7). Also called: GEFS+, TYPE 7. Identifiers: Orphanet 36387, MedGen C2751778, MONDO:0013470, OMIM 613863.

Submission:

Labcorp Genetics (formerly Invitae), Labcorp
Classification: Uncertain significance for Neuropathy, hereditary sensory and autonomic, type 2A; Generalized epilepsy with febrile seizures plus, type 7. Last evaluated: 2025-02-18. Review status: criteria provided, single submitter. Criteria: Invitae Variant Classification Sherloc (09022015). Collection method: clinical testing. Allele origin: germline.
Comment: This sequence change falls in intron 8 of the SCN9A gene. It does not directly change the encoded amino acid sequence of the SCN9A protein. It affects a nucleotide within the consensus splice site. This variant is not present in population databases (gnomAD no frequency). This variant has not been reported in the literature in individuals affected with SCN9A-related conditions. Variants that disrupt the consensus splice site are a relatively common cause of aberrant splicing (PMID: 17576681, 9536098). Algorithms developed to predict the effect of sequence changes on RNA splicing suggest that this variant is not likely to affect RNA splicing. In summary, the available evidence is currently insufficient to determine the role of this variant in disease. Therefore, it has been classified as a Variant of Uncertain Significance.

Literature cited by the submitters: PubMed 17576681; PubMed 9536098.